The following is an entry in ClinVar:

NM_002691.4(POLD1):c.1529T>C (p.Val510Ala)

Gene: POLD1 (DNA polymerase delta 1, catalytic subunit; plus strand). Cytogenetic location: 19q13.33.
Variant type: single nucleotide variant.
Coding change: c.1529T>C on transcript NM_002691.4 (MANE Select); coding-DNA position 1529, T replaced by C.
Protein change: p.Val510Ala; replaces valine 510 with alanine.
Molecular consequence: missense variant. On other transcripts: non-coding transcript variant (1).
Genome position (GRCh38, 1-based): chr19:50,407,017, T>C. VCF-style: chr19-50407017-T-C. GRCh37 (hg19) VCF-style: chr19-50910274-T-C.
Other names: c.1529T>C, p.Val510Ala (NM_001256849.1, NM_001308632.1); short protein forms V510A.
Identifiers: ClinVar variation 537078 (VCV000537078.10), dbSNP rs1555791351, ClinGen allele CA406980810.

ClinVar aggregate classification (germline): Uncertain significance. Review status: criteria provided, multiple submitters, no conflicts (2 of 4 stars). 3 submissions from 3 submitters: Uncertain significance (3). Last evaluated 2025-01-06.

Conditions:
Hereditary cancer-predisposing syndrome. Also called: Tumor predisposition; Neoplastic Syndromes, Hereditary; Hereditary Cancer Syndrome; Hereditary neoplastic syndrome. Identifiers: Orphanet 140162, MedGen C0027672, MeSH D009386, MONDO:0015356.
POLD1-related polyposis and colorectal cancer syndrome (CRCS10). Also called: Colorectal cancer 10; COLORECTAL CANCER, SUSCEPTIBILITY TO, ON CHROMOSOME 19q; Colorectal cancer, susceptibility to, 10. Identifiers: Orphanet 220460, MedGen C2675481, MONDO:0012953, OMIM 612591.

Allele frequency attached by ClinVar (database versions not stated): gnomAD exomes below 0.00001.
gnomAD v4.1: 2 of 1,610,576 alleles (0.00012%); highest among the groups gnomAD compares: Non-Finnish European, 0.00017%; no homozygotes.

Submissions (3):

Labcorp Genetics (formerly Invitae), Labcorp
Classification: Uncertain significance for POLD1-related polyposis and colorectal cancer syndrome. Last evaluated: 2025-01-06. Review status: criteria provided, single submitter. Criteria: Invitae Variant Classification Sherloc (09022015). Collection method: clinical testing. Allele origin: germline.
Comment: This sequence change replaces valine, which is neutral and non-polar, with alanine, which is neutral and non-polar, at codon 510 of the POLD1 protein (p.Val510Ala). This variant is not present in population databases (gnomAD no frequency). This variant has not been reported in the literature in individuals affected with POLD1-related conditions. ClinVar contains an entry for this variant (Variation ID: 537078). Invitae Evidence Modeling of protein sequence and biophysical properties (such as structural, functional, and spatial information, amino acid conservation, physicochemical variation, residue mobility, and thermodynamic stability) indicates that this missense variant is not expected to disrupt POLD1 protein function with a negative predictive value of 80%. In summary, the available evidence is currently insufficient to determine the role of this variant in disease. Therefore, it has been classified as a Variant of Uncertain Significance.

Quest Diagnostics Nichols Institute San Juan Capistrano
Classification: Uncertain significance. Last evaluated: 2024-09-13. Review status: criteria provided, single submitter. Criteria: Quest Diagnostics criteria. Collection method: clinical testing. Allele origin: unknown.
Comment: The POLD1 c.1529T>C (p.Val510Ala) variant has not been reported in individuals with POLD1-related conditions in the published literature. It also has not been reported in large, multi-ethnic general populations (Genome Aggregation Database). Analysis of this variant using bioinformatics tools for the prediction of the effect of amino acid changes on protein structure and function yielded predictions that this variant is benign. Based on the available information, we are unable to determine the clinical significance of this variant.

Ambry Genetics
Classification: Uncertain significance for Hereditary cancer-predisposing syndrome. Last evaluated: 2021-06-08. Review status: criteria provided, single submitter. Criteria: Ambry Variant Classification Scheme 2023. Collection method: clinical testing. Allele origin: germline.
Comment: The p.V510A variant (also known as c.1529T>C), located in coding exon 12 of the POLD1 gene, results from a T to C substitution at nucleotide position 1529. The valine at codon 510 is replaced by alanine, an amino acid with similar properties. This amino acid position is highly conserved in available vertebrate species. In addition, this alteration is predicted to be tolerated by in silico analysis. Since supporting evidence is limited at this time, the clinical significance of this alteration remains unclear.